The following is an entry in ClinVar:

NM_022114.4(PRDM16):c.109G>A (p.Glu37Lys)

Gene: PRDM16 (PR/SET domain 16; plus strand). Cytogenetic location: 1p36.32.
Variant type: single nucleotide variant.
Coding change: c.109G>A on transcript NM_022114.4 (MANE Select); coding-DNA position 109, G replaced by A.
Protein change: p.Glu37Lys; replaces glutamic acid 37 with lysine.
Molecular consequence: missense variant.
Genome position (GRCh38, 1-based): chr1:3,186,196, G>A. VCF-style: chr1-3186196-G-A. GRCh37 (hg19) VCF-style: chr1-3102760-G-A.
Other names: c.109G>A, p.Glu37Lys (NM_199454.3); short protein forms E37K.
Identifiers: ClinVar variation 576283 (VCV000576283.16), dbSNP rs369539275, ClinGen allele CA543706.

ClinVar aggregate classification (germline): Uncertain significance. Review status: criteria provided, multiple submitters, no conflicts (2 of 4 stars). 3 submissions from 3 submitters: Uncertain significance (3). Last evaluated 2024-12-25.

Conditions:
Left ventricular noncompaction 8 (LVNC8). Identifiers: Orphanet 154, Orphanet 54260, MedGen C3809288, MONDO:0014152, OMIM 615373.

Allele frequency attached by ClinVar (database versions not stated): gnomAD 0.00001; ExAC 0.00003; gnomAD exomes 0.00003; TOPMed 0.00003; ESP Exome Variant Server 0.00008.
gnomAD v4.1: 26 of 1,612,762 alleles (0.0016%); highest among the groups gnomAD compares: East Asian, 0.013%; no homozygotes.

Submissions (3):

Labcorp Genetics (formerly Invitae), Labcorp
Classification: Uncertain significance for Left ventricular noncompaction 8. Last evaluated: 2024-12-25. Review status: criteria provided, single submitter. Criteria: Invitae Variant Classification Sherloc (09022015). Collection method: clinical testing. Allele origin: germline.
Comment: This sequence change replaces glutamic acid, which is acidic and polar, with lysine, which is basic and polar, at codon 37 of the PRDM16 protein (p.Glu37Lys). This variant is present in population databases (rs369539275, gnomAD 0.02%). This variant has not been reported in the literature in individuals affected with PRDM16-related conditions. ClinVar contains an entry for this variant (Variation ID: 576283). An algorithm developed to predict the effect of missense changes on protein structure and function (PolyPhen-2) suggests that this variant is likely to be tolerated. In summary, the available evidence is currently insufficient to determine the role of this variant in disease. Therefore, it has been classified as a Variant of Uncertain Significance.

ARUP Laboratories, Molecular Genetics and Genomics, ARUP Laboratories
Classification: Uncertain significance. Last evaluated: 2022-09-20. Review status: criteria provided, single submitter. Criteria: ARUP Molecular Germline Variant Investigation Process 2021. Collection method: clinical testing. Allele origin: germline.
Comment: The PRDM16 c.109G>A; p.Glu37Lys variant (rs369539275), to our knowledge, is not reported in the medical literature but is reported in ClinVar (Variation ID: 576283). This variant is found in the general population with an overall allele frequency of 0.003% (9/278766 alleles) in the Genome Aggregation Database. The glutamic acid at codon 37 is moderately conserved, but computational analyses are uncertain whether this variant is neutral or deleterious (REVEL: 0.182). Due to limited information, the clinical significance of the PRDM16 variant is uncertain at this time.

GeneDx
Classification: Uncertain significance. Last evaluated: 2020-05-29. Review status: criteria provided, single submitter. Criteria: GeneDx Variant Classification Process June 2021. Collection method: clinical testing. Allele origin: germline. Affected: yes.
Comment: Has not been previously published as pathogenic or benign to our knowledge; Reported in ClinVar as a variant of uncertain significance (ClinVar Variant ID# 576283; Landrum et al., 2016); In silico analysis supports that this missense variant does not alter protein structure/function